The following is an entry in ClinVar:

ClinVar aggregate classification (germline): Uncertain significance. Review status: criteria provided, multiple submitters, no conflicts (2 of 4 stars). 3 submissions from 3 submitters: Uncertain significance (3). Last evaluated 2024-02-18.

Conditions:
Palmoplantar keratoderma-esophageal carcinoma syndrome (TOC). Also called: Tylosis with Esophageal Cancer; PALMOPLANTAR KERATODERMA WITH ESOPHAGEAL CANCER; KERATOSIS PALMARIS ET PLANTARIS WITH ESOPHAGEAL CANCER. Identifiers: Orphanet 2198, MedGen C1835664, MONDO:0007856, OMIM 148500.
Inborn genetic diseases. Identifiers: MedGen C0950123, MeSH D030342.

Allele frequency attached by ClinVar (database versions not stated): gnomAD exomes 0.00001; TOPMed 0.00002.
gnomAD v4.1: 3 of 1,571,290 alleles (0.00019%); highest among the groups gnomAD compares: Admixed American, 0.0057%; no homozygotes.

Submissions (3):

Labcorp Genetics (formerly Invitae), Labcorp
Classification: Uncertain significance. Last evaluated: 2024-02-18. Review status: criteria provided, single submitter. Criteria: Invitae Variant Classification Sherloc (09022015). Collection method: clinical testing. Allele origin: germline.
Comment: This sequence change replaces alanine, which is neutral and non-polar, with valine, which is neutral and non-polar, at codon 754 of the RHBDF2 protein (p.Ala754Val). The frequency data for this variant in the population databases is considered unreliable, as metrics indicate poor data quality at this position in the gnomAD database. This variant has not been reported in the literature in individuals affected with RHBDF2-related conditions. An algorithm developed to predict the effect of missense changes on protein structure and function (PolyPhen-2) suggests that this variant is likely to be tolerated. In summary, the available evidence is currently insufficient to determine the role of this variant in disease. Therefore, it has been classified as a Variant of Uncertain Significance.

Ambry Genetics
Classification: Uncertain significance for Inborn genetic diseases. Last evaluated: 2024-01-08. Review status: criteria provided, single submitter. Criteria: Ambry Variant Classification Scheme 2023. Collection method: clinical testing. Allele origin: germline.

Baylor Genetics
Classification: Uncertain significance for Palmoplantar keratoderma-esophageal carcinoma syndrome. Last evaluated: 2023-10-22. Review status: criteria provided, single submitter. Criteria: ACMG Guidelines, 2015. Collection method: clinical testing. Allele origin: unknown.

NM_001005498.4(RHBDF2):c.2174C>T (p.Ala725Val)

Gene: RHBDF2 (rhomboid 5 homolog 2; minus strand). Cytogenetic location: 17q25.1.
Variant type: single nucleotide variant.
Coding change: c.2174C>T on transcript NM_001005498.4 (MANE Select); coding-DNA position 2174, C replaced by T.
Protein change: p.Ala725Val; replaces alanine 725 with valine.
Molecular consequence: missense variant. On other transcripts: non-coding transcript variant (3).
Genome position (GRCh38, 1-based): chr17:76,471,943, G>A on the plus strand (C>T on the coding strand, the complement: RHBDF2 is on the minus strand). VCF-style: chr17-76471943-G-A. GRCh37 (hg19) VCF-style: chr17-74468025-G-A.
Other names: c.2174C>T, p.Ala725Val (NM_001376230.1, NM_001376228.1, NM_001376229.1); c.2261C>T, p.Ala754Val (NM_024599.5); short protein forms A725V, A754V.
Identifiers: ClinVar variation 2678328 (VCV002678328.4), dbSNP rs1455866928, ClinGen allele CA401164229.